The following is an entry in ClinVar:

ClinVar aggregate classification (germline): Uncertain significance. Review status: criteria provided, multiple submitters, no conflicts (2 of 4 stars). 3 submissions from 3 submitters: Uncertain significance (3). Last evaluated 2025-01-01.

Conditions:
Inborn genetic diseases. Identifiers: MedGen C0950123, MeSH D030342.
Developmental and epileptic encephalopathy, 75. Also called: EPILEPTIC ENCEPHALOPATHY, EARLY INFANTILE, 75. Identifiers: MedGen C5193099, MONDO:0032752, OMIM 618437.

Allele frequency attached by ClinVar (database versions not stated): gnomAD 0.00003; gnomAD exomes 0.00004; ExAC 0.00016; 1000 Genomes Project 30x 0.00031; 1000 Genomes Project 0.00040.
gnomAD v4.1: 62 of 1,614,216 alleles (0.0038%); highest among the groups gnomAD compares: South Asian, 0.061%; 1 homozygote.

Submissions (3):

CeGaT Center for Human Genetics Tuebingen
Classification: Uncertain significance. Last evaluated: 2025-01-01. Review status: criteria provided, single submitter. Criteria: CeGaT Center For Human Genetics Tuebingen Variant Classification Criteria Version 2. Collection method: clinical testing. Allele origin: germline. Affected: yes. Observed: 1 variant allele.
Comment: PARS2: PM2:Supporting, BP4

Ambry Genetics
Classification: Uncertain significance for Inborn genetic diseases. Last evaluated: 2024-02-17. Review status: criteria provided, single submitter. Criteria: Ambry Variant Classification Scheme 2023. Collection method: clinical testing. Allele origin: germline.
Comment: The c.294G>A (p.M98I) alteration is located in exon 2 (coding exon 1) of the PARS2 gene. This alteration results from a G to A substitution at nucleotide position 294, causing the methionine (M) at amino acid position 98 to be replaced by an isoleucine (I). The p.M98I alteration is predicted to be tolerated by in silico analysis. Based on insufficient or conflicting evidence, the clinical significance of this alteration remains unclear.

Neuberg Centre For Genomic Medicine, NCGM
Classification: Uncertain significance for Developmental and epileptic encephalopathy, 75. Review status: criteria provided, single submitter. Criteria: ACMG Guidelines, 2015. Collection method: clinical testing. Allele origin: germline. Inheritance: Autosomal recessive inheritance. Affected: yes.
Comment: The missense variant c.294G>A (p.Met98Ile) in PARS2 gene has not been reported previously as a pathogenic variant nor as a benign variant, to our knowledge. The p.Met98Ile variant is novel (not in any individuals) in 1000 Genomes and allele frequency of 0.01114% is reported in gnomAD .The amino acid Met at position 98 is changed to a Ile changing protein sequence and it might alter its composition and physico-chemical properties. The amino acid change p.Met98Ile in PARS2 is predicted as conserved by GERP++ and PhyloP across 100 vertebrates. For these reasons, this variant has been classified as Uncertain Significance.

NM_152268.4(PARS2):c.294G>A (p.Met98Ile)

Gene: PARS2 (prolyl-tRNA synthetase 2, mitochondrial; minus strand). Cytogenetic location: 1p32.3.
Variant type: single nucleotide variant.
Coding change: c.294G>A on transcript NM_152268.4 (MANE Select); coding-DNA position 294, G replaced by A.
Protein change: p.Met98Ile; replaces methionine 98 with isoleucine.
Molecular consequence: missense variant.
Genome position (GRCh38, 1-based): chr1:54,758,868, C>T on the plus strand (G>A on the coding strand, the complement: PARS2 is on the minus strand). VCF-style: chr1-54758868-C-T. GRCh37 (hg19) VCF-style: chr1-55224541-C-T.
Other names: short protein forms M98I.
Identifiers: ClinVar variation 2228634 (VCV002228634.15), dbSNP rs559553257, ClinGen allele CA869510.